The following is an entry in ClinVar:

NM_001005337.3(PKP1):c.1032C>G (p.Ala344=)

Gene: PKP1 (plakophilin 1; plus strand). Cytogenetic location: 1q32.1.
Variant type: single nucleotide variant.
Coding change: c.1032C>G on transcript NM_001005337.3 (MANE Select); coding-DNA position 1032, C replaced by G.
Protein change: p.Ala344=; no amino-acid change (alanine 344 retained).
Molecular consequence: synonymous variant.
Genome position (GRCh38, 1-based): chr1:201,317,757, C>G. VCF-style: chr1-201317757-C-G. GRCh37 (hg19) VCF-style: chr1-201286885-C-G.
Other names: c.1032C>G, p.Ala344= (NM_000299.4).
Identifiers: ClinVar variation 2639778 (VCV002639778.24), dbSNP rs969074166, ClinGen allele CA422716567.

ClinVar aggregate classification (germline): Likely benign (1 of 4 stars; one submission).

Submission:

CeGaT Center for Human Genetics Tuebingen
Classification: Likely benign. Last evaluated: 2023-01-01. Review status: criteria provided, single submitter. Criteria: CeGaT Center For Human Genetics Tuebingen Variant Classification Criteria Version 2. Collection method: clinical testing. Allele origin: germline. Affected: yes. Observed: 1 variant allele.
Comment: PKP1: PM2:Supporting, BP4, BP7